The following is an entry in ClinVar:

NM_001868.4(CPA1):c.509C>T (p.Pro170Leu)

Gene: CPA1 (carboxypeptidase A1; plus strand). Cytogenetic location: 7q32.2.
Variant type: single nucleotide variant.
Coding change: c.509C>T on transcript NM_001868.4 (MANE Select); coding-DNA position 509, C replaced by T.
Protein change: p.Pro170Leu; replaces proline 170 with leucine.
Molecular consequence: missense variant.
Genome position (GRCh38, 1-based): chr7:130,383,416, C>T. VCF-style: chr7-130383416-C-T. GRCh37 (hg19) VCF-style: chr7-130023257-C-T.
Other names: short protein forms P170L.
Identifiers: ClinVar variation 4869349 (VCV004869349.1).
Genomic context (GRCh38, chr7:130,383,416, plus strand): 5'-AATTGCCTCTGATCACTCCCCTGCCTCCTCTCCAGTTCAGCACGGGGGGCAGTAAGCGTC[C>T]AGCCATCTGGATCGACACGGGCATCCATTCCCGGGAGTGGGTCACCCAGGCCAGTGGGGT-3'
Protein context (NP_001859.1, residues 160-180): LKFSTGGSKR[Pro170Leu]AIWIDTGIHS

ClinVar aggregate classification (germline): Uncertain significance (1 of 4 stars; one submission).

Conditions:
Hereditary pancreatitis (PCTT). Also called: Hereditary chronic pancreatitis; PRSS1-Related Hereditary Pancreatitis. Identifiers: Orphanet 676, MedGen C0238339, MONDO:0008185, OMIM 167800.

gnomAD v4.1: 2 of 1,614,176 alleles (0.00012%); highest among the groups gnomAD compares: Non-Finnish European, 0.000085%; no homozygotes.

Submission:

Ambry Genetics
Classification: Uncertain significance for Hereditary pancreatitis. Last evaluated: 2026-04-05. Review status: criteria provided, single submitter. Criteria: Ambry Variant Classification Scheme 2023. Collection method: clinical testing. Allele origin: germline.
Comment: The p.P170L variant (also known as c.509C>T), located in coding exon 5 of the CPA1 gene, results from a C to T substitution at nucleotide position 509. The proline at codon 170 is replaced by leucine, an amino acid with similar properties. This amino acid position is conserved. In addition, this alteration is predicted to be tolerated by in silico analysis. Based on the available evidence, the clinical significance of this variant remains unclear.